The following is an entry in ClinVar:

NM_001378615.1(CC2D2A):c.4763T>C (p.Val1588Ala)

Genes: CC2D2A (coiled-coil and C2 domain containing 2A; plus strand), FBXL5 (F-box and leucine rich repeat protein 5; minus strand). Cytogenetic location: 4p15.32.
Variant type: single nucleotide variant.
Coding change: c.4763T>C on transcript NM_001378615.1 (MANE Select); coding-DNA position 4763, T replaced by C.
Protein change: p.Val1588Ala; replaces valine 1588 with alanine.
Molecular consequence: missense variant.
Genome position (GRCh38, 1-based): chr4:15,601,325, T>C. VCF-style: chr4-15601325-T-C. GRCh37 (hg19) VCF-style: chr4-15602948-T-C.
Other names: c.4763T>C, p.Val1588Ala (NM_001080522.2); c.4616T>C, p.Val1539Ala (NM_001378617.1); short protein forms V1539A, V1588A.
Identifiers: ClinVar variation 971854 (VCV000971854.10), dbSNP rs572716623, ClinGen allele CA2864476.

ClinVar aggregate classification (germline): Conflicting classifications of pathogenicity. Review status: criteria provided, conflicting classifications (1 of 4 stars). 3 submissions from 3 submitters: Uncertain significance (1); Benign (1); Likely benign (1). Last evaluated 2026-06-29.

Conditions:
Joubert syndrome. Also called: JOUBERT-BOLTSHAUSER SYNDROME; Familial aplasia of the vermis. Identifiers: Orphanet 475, MedGen C5979921, MONDO:0018772.
Meckel-Gruber syndrome. Also called: Dysencephalia splachnocystica; DYSENCEPHALIA SPLANCHNOCYSTICA; GRUBER SYNDROME. Identifiers: Orphanet 564, MedGen C0265215, MONDO:0018921.
CC2D2A-related disorder. Also called: CC2D2A-related condition; CC2D2A-related disorders. Identifiers: MedGen CN239313.

Allele frequency attached by ClinVar (database versions not stated): TOPMed below 0.00001; gnomAD 0.00001 and 0.00003; gnomAD exomes 0.00007 and 0.00017; ExAC 0.00024; 1000 Genomes Project 0.00040; 1000 Genomes Project 30x 0.00047.
gnomAD v4.1: 107 of 1,610,966 alleles (0.0066%); highest among the groups gnomAD compares: South Asian, 0.11%; no homozygotes.

Submissions (3):

PreventionGenetics, part of Exact Sciences
Classification: Uncertain significance for CC2D2A-related condition. Last evaluated: 2026-06-29. Review status: criteria provided, single submitter. Criteria: ACMG Guidelines, 2015. Collection method: clinical testing. Allele origin: germline.
Comment: The CC2D2A c.4763T>C variant is predicted to result in the amino acid substitution p.Val1588Ala. To our knowledge, this variant has not been reported in the literature. This variant is reported in 0.14% of alleles in individuals of South Asian descent in gnomAD. At this time, the clinical significance of this variant is uncertain due to the absence of conclusive functional and genetic evidence.

Labcorp Genetics (formerly Invitae), Labcorp
Classification: Likely benign for Joubert syndrome; Meckel-Gruber syndrome. Last evaluated: 2025-12-22. Review status: criteria provided, single submitter. Criteria: Invitae Variant Classification Sherloc (09022015). Collection method: clinical testing. Allele origin: germline.

Blueprint Genetics
Classification: Benign. Last evaluated: 2023-03-22. Review status: criteria provided, single submitter. Criteria: ACMG Guidelines, 2015. Collection method: clinical testing. Allele origin: germline.